The following is an entry in ClinVar:

NM_015450.3(POT1):c.1486G>A (p.Gly496Arg)

Gene: POT1 (protection of telomeres 1; minus strand). Cytogenetic location: 7q31.33.
Variant type: single nucleotide variant.
Coding change: c.1486G>A on transcript NM_015450.3 (MANE Select); coding-DNA position 1486, G replaced by A.
Protein change: p.Gly496Arg; replaces glycine 496 with arginine.
Molecular consequence: missense variant. On other transcripts: non-coding transcript variant (3).
Genome position (GRCh38, 1-based): chr7:124,835,298, C>T on the plus strand (G>A on the coding strand, the complement: POT1 is on the minus strand). VCF-style: chr7-124835298-C-T. GRCh37 (hg19) VCF-style: chr7-124475352-C-T.
Other names: c.1093G>A, p.Gly365Arg (NM_001042594.2); short protein forms G365R, G496R.
Identifiers: ClinVar variation 3423102 (VCV003423102.3).

ClinVar aggregate classification (germline): Uncertain significance. Review status: criteria provided, multiple submitters, no conflicts (2 of 4 stars). 2 submissions from 2 submitters: Uncertain significance (2). Last evaluated 2025-10-07.

Conditions:
Tumor predisposition syndrome 3 (TPDS3). Also called: Melanoma, cutaneous malignant, susceptibility to, 10; Glioma susceptibility 9; LONG TELOMERE SYNDROME, POT1-RELATED; POT1 Tumor Predisposition. Identifiers: Orphanet 618, MedGen C4014476, MONDO:0014368, OMIM 615848.
Hereditary cancer-predisposing syndrome. Also called: Tumor predisposition; Hereditary Cancer Syndrome; Hereditary neoplastic syndrome; Neoplastic Syndromes, Hereditary. Identifiers: Orphanet 140162, MedGen C0027672, MeSH D009386, MONDO:0015356.

Submissions (2):

Labcorp Genetics (formerly Invitae), Labcorp
Classification: Uncertain significance for Tumor predisposition syndrome 3. Last evaluated: 2025-10-07. Review status: criteria provided, single submitter. Criteria: Invitae Variant Classification Sherloc (09022015). Collection method: clinical testing. Allele origin: germline.
Comment: This sequence change replaces glycine, which is neutral and non-polar, with arginine, which is basic and polar, at codon 496 of the POT1 protein (p.Gly496Arg). This variant is not present in population databases (gnomAD no frequency). This variant has not been reported in the literature in individuals affected with POT1-related conditions. ClinVar contains an entry for this variant (Variation ID: 3423102). Invitae Evidence Modeling of protein sequence and biophysical properties (such as structural, functional, and spatial information, amino acid conservation, physicochemical variation, residue mobility, and thermodynamic stability) indicates that this missense variant is not expected to disrupt POT1 protein function with a negative predictive value of 80%. In summary, the available evidence is currently insufficient to determine the role of this variant in disease. Therefore, it has been classified as a Variant of Uncertain Significance.

Ambry Genetics
Classification: Uncertain significance for Hereditary cancer-predisposing syndrome. Last evaluated: 2024-07-13. Review status: criteria provided, single submitter. Criteria: Ambry Variant Classification Scheme 2023. Collection method: clinical testing. Allele origin: germline.
Comment: The p.G496R variant (also known as c.1486G>A), located in coding exon 11 of the POT1 gene, results from a G to A substitution at nucleotide position 1486. The glycine at codon 496 is replaced by arginine, an amino acid with dissimilar properties. This amino acid position is conserved. In addition, this alteration is predicted to be tolerated by in silico analysis. Based on the available evidence, the clinical significance of this variant remains unclear.